The following is an entry in ClinVar:

ClinVar aggregate classification (germline): Uncertain significance (1 of 4 stars; one submission).

Conditions:
Inborn genetic diseases. Identifiers: MedGen C0950123, MeSH D030342.

Submission:

Ambry Genetics
Classification: Uncertain significance for Inborn genetic diseases. Last evaluated: 2025-07-08. Review status: criteria provided, single submitter. Criteria: Ambry Variant Classification Scheme 2023. Collection method: clinical testing. Allele origin: germline.
Comment: The p.R380G variant (also known as c.1138C>G), located in coding exon 7 of the WT1 gene, results from a C to G substitution at nucleotide position 1138. The arginine at codon 380 is replaced by glycine, an amino acid with dissimilar properties. This amino acid position is well conserved in available vertebrate species. In addition, the in silico prediction for this alteration is inconclusive. Based on the available evidence, the clinical significance of this variant remains unclear.

NM_024426.6(WT1):c.1153C>G (p.Arg385Gly)

Gene: WT1 (WT1 transcription factor; minus strand). Cytogenetic location: 11p13.
Variant type: single nucleotide variant.
Coding change: c.1153C>G on transcript NM_024426.6 (MANE Select); coding-DNA position 1153, C replaced by G.
Protein change: p.Arg385Gly; replaces arginine 385 with glycine.
Molecular consequence: missense variant. On other transcripts: 5 prime UTR variant (1), non-coding transcript variant (2).
Genome position (GRCh38, 1-based): chr11:32,396,368, G>C on the plus strand (C>G on the coding strand, the complement: WT1 is on the minus strand). VCF-style: chr11-32396368-G-C. GRCh37 (hg19) VCF-style: chr11-32417914-G-C.
Other names: c.1102C>G, p.Arg368Gly (NM_000378.6, NM_001407045.1, NM_001407048.1 and 1 more transcripts); c.502C>G, p.Arg168Gly (NM_001198551.2); c.451C>G, p.Arg151Gly (NM_001198552.2); c.-36C>G (NM_001367854.1); c.1147C>G, p.Arg383Gly (NM_001407044.1); c.1153C>G, p.Arg385Gly (NM_001407046.1, NM_024424.5); c.1030C>G, p.Arg344Gly (NM_001407047.1); c.979C>G, p.Arg327Gly (NM_001407050.1); and 3 more; short protein forms R312G, R327G, R380G, R385G, R168G, R131G, R383G, R151G.
Identifiers: ClinVar variation 4202221 (VCV004202221.1).